The following is an entry in ClinVar:

NM_138409.4(MRAP2):c.-5C>T

Gene: MRAP2 (melanocortin 2 receptor accessory protein 2; plus strand). Cytogenetic location: 6q14.2.
Variant type: single nucleotide variant.
Coding change: c.-5C>T on transcript NM_138409.4 (MANE Select); 5 bases upstream of the start codon, C replaced by T.
Molecular consequence: 5 prime UTR variant.
Genome position (GRCh38, 1-based): chr6:84,055,314, C>T. VCF-style: chr6-84055314-C-T. GRCh37 (hg19) VCF-style: chr6-84765033-C-T.
Other names: c.-163C>T (NM_001346541.2); c.-5C>T (NM_001346542.2, NM_001346544.2); c.-264C>T (NM_001346543.2).
Identifiers: ClinVar variation 3032145 (VCV003032145.2), dbSNP rs147611875, ClinGen allele CA3909532.

ClinVar aggregate classification (germline): Likely benign (0 of 4 stars; one submission).

Conditions:
MRAP2-related disorder. Also called: MRAP2-related condition.

Allele frequency attached by ClinVar (database versions not stated): TOPMed 0.00007; gnomAD 0.00009; 1000 Genomes Project 0.00060; 1000 Genomes Project 30x 0.00062.
gnomAD v4.1: 49 of 1,611,898 alleles (0.003%); highest among the groups gnomAD compares: African/African-American, 0.019%; no homozygotes.

Submission:

PreventionGenetics, part of Exact Sciences
Classification: Likely benign for MRAP2-related condition. Last evaluated: 2022-05-02. Review status: no assertion criteria provided. Collection method: clinical testing. Allele origin: germline.
Comment: This variant is classified as likely benign based on ACMG/AMP sequence variant interpretation guidelines (Richards et al. 2015 PMID: 25741868, with internal and published modifications).